The following is an entry in ClinVar:

NM_001876.4(CPT1A):c.1471A>G (p.Ile491Val)

Gene: CPT1A (carnitine palmitoyltransferase 1A; minus strand). Cytogenetic location: 11q13.3.
Variant type: single nucleotide variant.
Coding change: c.1471A>G on transcript NM_001876.4 (MANE Select); coding-DNA position 1471, A replaced by G.
Protein change: p.Ile491Val; replaces isoleucine 491 with valine.
Molecular consequence: missense variant.
Genome position (GRCh38, 1-based): chr11:68,775,420, T>C on the plus strand (A>G on the coding strand, the complement: CPT1A is on the minus strand). VCF-style: chr11-68775420-T-C. GRCh37 (hg19) VCF-style: chr11-68542888-T-C.
Other names: c.1471A>G, p.Ile491Val (NM_001031847.3); short protein forms I491V.
Identifiers: ClinVar variation 2159597 (VCV002159597.1), dbSNP rs2495560539, ClinGen allele CA381630086.

ClinVar aggregate classification (germline): Uncertain significance (1 of 4 stars; one submission).

Conditions:
Carnitine palmitoyl transferase 1A deficiency. Also called: Carnitine palmitoyltransferase type I deficiency; CPT deficiency, hepatic, type IA; Carnitine palmitoyltransferase 1A deficiency; CPT I DEFICIENCY; CPT DEFICIENCY, HEPATIC, TYPE I. Identifiers: Orphanet 156, MedGen C1829703, MONDO:0009705, OMIM 255120.

Submission:

Labcorp Genetics (formerly Invitae), Labcorp
Classification: Uncertain significance for Carnitine palmitoyl transferase 1A deficiency. Last evaluated: 2022-03-26. Review status: criteria provided, single submitter. Criteria: Invitae Variant Classification Sherloc (09022015). Collection method: clinical testing. Allele origin: germline.
Comment: This sequence change replaces isoleucine, which is neutral and non-polar, with valine, which is neutral and non-polar, at codon 491 of the CPT1A protein (p.Ile491Val). This variant is not present in population databases (gnomAD no frequency). This variant has not been reported in the literature in individuals affected with CPT1A-related conditions. Algorithms developed to predict the effect of missense changes on protein structure and function (SIFT, PolyPhen-2, Align-GVGD) all suggest that this variant is likely to be tolerated. In summary, the available evidence is currently insufficient to determine the role of this variant in disease. Therefore, it has been classified as a Variant of Uncertain Significance.